The following is an entry in ClinVar:

ClinVar aggregate classification (germline): Uncertain significance. Review status: criteria provided, multiple submitters, no conflicts (2 of 4 stars). 2 submissions from 2 submitters: Uncertain significance (2). Last evaluated 2020-06-08.

Conditions:
Hereditary breast ovarian cancer syndrome. Also called: Hereditary breast and ovarian cancer syndrome (HBOC); Hereditary breast and ovarian cancer syndrome; Breast and ovarian cancer; Hereditary breast and/or ovarian cancer syndrome; Hereditary breast and ovarian cancer; BRCA1- and BRCA2-Associated Hereditary Breast and Ovarian Cancer. Identifiers: Orphanet 145, MedGen C0677776, MeSH D061325, MONDO:0003582. Disease mechanism: loss of function.
Hereditary cancer-predisposing syndrome. Also called: Neoplastic Syndromes, Hereditary; Hereditary Cancer Syndrome; Hereditary neoplastic syndrome; Tumor predisposition. Identifiers: Orphanet 140162, MedGen C0027672, MeSH D009386, MONDO:0015356.

Submissions (2):

Labcorp Genetics (formerly Invitae), Labcorp
Classification: Uncertain significance for Hereditary breast ovarian cancer syndrome. Last evaluated: 2020-06-08. Review status: criteria provided, single submitter. Criteria: Invitae Variant Classification Sherloc (09022015). Collection method: clinical testing. Allele origin: germline.
Comment: In summary, this variant is a novel missense change with uncertain impact on protein function. It has been classified as a Variant of Uncertain Significance. Algorithms developed to predict the effect of missense changes on protein structure and function do not agree on the potential impact of this missense change (SIFT: "Deleterious"; PolyPhen-2: "Probably Damaging"; Align-GVGD: "Class C0"). This variant is not present in population databases (ExAC no frequency) and has not been reported in the literature in individuals with a BRCA2-related disease. This sequence change replaces proline with threonine at codon 2329 of the BRCA2 protein (p.Pro2329Thr). The proline residue is highly conserved and there is a small physicochemical difference between proline and threonine.

Ambry Genetics
Classification: Uncertain significance for Hereditary cancer-predisposing syndrome. Last evaluated: 2019-09-09. Review status: criteria provided, single submitter. Criteria: Ambry Variant Classification Scheme 2023. Collection method: clinical testing. Allele origin: germline.
Comment: The p.P2329T variant (also known as c.6985C>A), located in coding exon 12 of the BRCA2 gene, results from a C to A substitution at nucleotide position 6985. The proline at codon 2329 is replaced by threonine, an amino acid with highly similar properties. This amino acid position is highly conserved in available vertebrate species. In addition, this alteration is predicted to be deleterious by in silico analysis. Since supporting evidence is limited at this time, the clinical significance of this alteration remains unclear.

NM_000059.4(BRCA2):c.6985C>A (p.Pro2329Thr)

Gene: BRCA2 (BRCA2 DNA repair associated; plus strand). Cytogenetic location: 13q13.1.
Variant type: single nucleotide variant.
Coding change: c.6985C>A on transcript NM_000059.4 (MANE Select); coding-DNA position 6985, C replaced by A.
Protein change: p.Pro2329Thr; replaces proline 2329 with threonine.
Molecular consequence: missense variant.
Genome position (GRCh38, 1-based): chr13:32,346,874, C>A. VCF-style: chr13-32346874-C-A. GRCh37 (hg19) VCF-style: chr13-32921011-C-A.
Other names: short protein forms P2329T.
Identifiers: ClinVar variation 462422 (VCV000462422.13), dbSNP rs1555285355, ClinGen allele CA387793108.
Genomic context (GRCh38, chr13:32,346,874, plus strand): 5'-AATTGTTTCCTAGGCACAATAAAAGATCGAAGATTGTTTATGCATCATGTTTCTTTAGAG[C>A]CGATTACCTGTGTACCCTTTCGGTAAGACATGTTTAAATTTTTCTAAATTCTAATACAGT-3'
Protein context (NP_000050.3, residues 2319-2339): RLFMHHVSLE[Pro2329Thr]ITCVPFRTTK